The following is an entry in ClinVar:

NM_005529.7(HSPG2):c.13003G>A (p.Gly4335Ser)

Genes: HSPG2 (heparan sulfate proteoglycan 2; minus strand), LDLRAD2 (low density lipoprotein receptor class A domain containing 2; plus strand). Cytogenetic location: 1p36.12.
Variant type: single nucleotide variant.
Coding change: c.13003G>A on transcript NM_005529.7 (MANE Select); coding-DNA position 13003, G replaced by A.
Protein change: p.Gly4335Ser; replaces glycine 4335 with serine.
Molecular consequence: missense variant. On other transcripts: 3 prime UTR variant (1).
Genome position (GRCh38, 1-based): chr1:21,823,616, C>T on the plus strand (G>A on the coding strand, the complement: HSPG2 is on the minus strand). VCF-style: chr1-21823616-C-T. GRCh37 (hg19) VCF-style: chr1-22150109-C-T.
Other names: c.13006G>A, p.Gly4336Ser (NM_001291860.2); c.*1401C>T (NM_001013693.3); short protein forms G4336S, G4335S.
Identifiers: ClinVar variation 1912092 (VCV001912092.3), dbSNP rs749949642, ClinGen allele CA669183.

ClinVar aggregate classification (germline): Uncertain significance (1 of 4 stars; one submission).

Allele frequency attached by ClinVar (database versions not stated): ExAC 0.00002; TOPMed 0.00003.
gnomAD v4.1: 12 of 1,613,340 alleles (0.00074%); highest among the groups gnomAD compares: South Asian, 0.0066%; no homozygotes.

Submission:

Labcorp Genetics (formerly Invitae), Labcorp
Classification: Uncertain significance. Last evaluated: 2022-06-02. Review status: criteria provided, single submitter. Criteria: Invitae Variant Classification Sherloc (09022015). Collection method: clinical testing. Allele origin: germline.
Comment: In summary, the available evidence is currently insufficient to determine the role of this variant in disease. Therefore, it has been classified as a Variant of Uncertain Significance. Variants that disrupt the consensus splice site are a relatively common cause of aberrant splicing (PMID: 17576681, 9536098). Algorithms developed to predict the effect of missense changes on protein structure and function are either unavailable or do not agree on the potential impact of this missense change (SIFT: "Deleterious"; PolyPhen-2: "Probably Damaging"; Align-GVGD: "Class C0"). This variant has not been reported in the literature in individuals affected with HSPG2-related conditions. This variant is present in population databases (rs749949642, gnomAD 0.02%). This sequence change replaces glycine, which is neutral and non-polar, with serine, which is neutral and polar, at codon 4335 of the HSPG2 protein (p.Gly4335Ser). This variant also falls at the last nucleotide of exon 96, which is part of the consensus splice site for this exon.

Literature cited by the submitters: PubMed 17576681; PubMed 9536098.